The following is an entry in ClinVar:

ClinVar aggregate classification (germline): Pathogenic/Likely pathogenic. Review status: criteria provided, multiple submitters, no conflicts (2 of 4 stars). 11 submissions from 11 submitters: Pathogenic (6); Likely pathogenic (3). 2 of the submissions do not count toward it. Last evaluated 2025-11-07.

Conditions:
BRCA1-related cancer predisposition. Identifiers: MedGen CN377757, MONDO:0700268.
Breast and/or ovarian cancer. Identifiers: MedGen CN221562.
Hereditary cancer-predisposing syndrome. Also called: Tumor predisposition; Neoplastic Syndromes, Hereditary; Hereditary Cancer Syndrome; Hereditary neoplastic syndrome. Identifiers: Orphanet 140162, MedGen C0027672, MeSH D009386, MONDO:0015356.
Hereditary breast ovarian cancer syndrome. Also called: Hereditary breast and ovarian cancer syndrome (HBOC); Hereditary breast and ovarian cancer syndrome; Hereditary breast and ovarian cancer; Hereditary breast and/or ovarian cancer syndrome; Breast and ovarian cancer; BRCA1- and BRCA2-Associated Hereditary Breast and Ovarian Cancer. Identifiers: Orphanet 145, MedGen C0677776, MeSH D061325, MONDO:0003582. Disease mechanism: loss of function.
Breast-ovarian cancer, familial, susceptibility to, 1 (BROVCA1). Also called: OVARIAN CANCER, SUSCEPTIBILITY TO; BRCA1 Hereditary Breast and Ovarian Cancer. Identifiers: Orphanet 145, MedGen C2676676, MONDO:0011450, OMIM 604370. Disease mechanism: loss of function.

Submissions 1 to 6 of 12:

Ambry Genetics
Classification: Pathogenic for Hereditary cancer-predisposing syndrome. Last evaluated: 2025-11-07. Review status: criteria provided, single submitter. Criteria: Ambry Variant Classification Scheme 2023. Collection method: clinical testing. Allele origin: germline.
Comment: The p.D1818G pathogenic mutation (also known as c.5453A>G), located in coding exon 21 of the BRCA1 gene, results from an A to G substitution at nucleotide position 5453. The aspartic acid at codon 1818 is replaced by glycine, an amino acid with similar properties. One functional study found that this nucleotide substitution is non-functional in a high-throughput, genome editing, haploid cell survival assay. RNA studies have demonstrated that this alteration results in abnormal splicing in the set of samples tested and result in allele-specific skipping of coding exon 22 which is predicted to result in a frameshift with loss of a critical portion of the BRCT domain of BRCA1 (Ambry internal data; Rouleau E et al. Cancer Genet Cytogenet. 2010 Oct; 202(2):144-6; Houdayer C et al. Hum Mutat. 2012 Aug;33(8):1228-38). This nucleotide position is highly conserved in available vertebrate species. In silico splice site analysis predicts that this alteration may weaken the native splice donor site. Based on the supporting evidence, this variant is interpreted as a disease-causing mutation.

Labcorp Genetics (formerly Invitae), Labcorp
Classification: Pathogenic for Hereditary breast ovarian cancer syndrome. Last evaluated: 2025-04-21. Review status: criteria provided, single submitter. Criteria: Invitae Variant Classification Sherloc (09022015). Collection method: clinical testing. Allele origin: germline.
Comment: This sequence change replaces aspartic acid, which is acidic and polar, with glycine, which is neutral and non-polar, at codon 1818 of the BRCA1 protein (p.Asp1818Gly). RNA analysis indicates that this missense change induces altered splicing and likely disrupts the C-terminus of the protein. This variant is not present in population databases (gnomAD no frequency). This missense change has been observed in individual(s) with breast and/or ovarian cancer (PMID: 20875879, 22505045, 29446198). ClinVar contains an entry for this variant (Variation ID: 37672). Invitae Evidence Modeling incorporating data from in vitro experimental studies (PMID: 30209399) indicates that this missense variant is expected to disrupt BRCA1 function with a positive predictive value of 95%. Studies have shown that this missense change results in skipping of exon 22 (also known as exon 23 in the literature) and introduces a new termination codon (PMID: 20875879, 22505045). However the mRNA is not expected to undergo nonsense-mediated decay. This variant disrupts the C-terminal end of the BRCA1 protein partially including the BRCT domain (residues 1646-1859), which is important for DNA repair activity (PMID: 11573086, 14576433, 15133503, 25652403). While functional studies have not been performed to directly test the effect on BRCA1 protein function, this suggests that disruption of the C-terminal portion of the protein is functionally important. For these reasons, this variant has been classified as Pathogenic.

All of Us Research Program, National Institutes of Health
Classification: Pathogenic for BRCA1-related cancer predisposition. Last evaluated: 2024-09-16. Review status: criteria provided, single submitter. Criteria: ACMG Guidelines, 2015. Collection method: clinical testing. Allele origin: germline. Inheritance: Autosomal dominant inheritance. Observed: 1 variant allele, 1 heterozygote.
Comment: This missense variant replaces aspartic acid with glycine at codon 1818 of the BRCA1 protein. RNA studies have shown that this variant resulted in the skipping of exon 22 in carrier RNA, which is predicted to disrupt the functionally important BRCT domain (PMID: 20875879, 32123317). A functional study has shown that this variant caused loss-of-function in a haploid cell proliferation assay (PMID: 30209399). This variant has been reported in at least four individuals affected with high-risk breast cancer (PMID: 20875879; Color internal data). Multifactorial analyses have reported likelihood ratios for pathogenicity based on tumor pathology, co-occurrence with a pathogenic variant, and personal and family history, reaching a combined LR greater than 3:1 (PMID: 31131967, 31853058; Color internal data). This variant has not been identified in the general population by the Genome Aggregation Database (gnomAD). Based on the available evidence, this variant is classified as Pathogenic.

This study involves interpretation of variants in research participants for the purpose of population health screening. Participant phenotype was not available at the time of variant classification. Additional details can be found in publication PMID: 35346344, PMCID: PMC8962531

Color Diagnostics, LLC DBA Color Health
Classification: Pathogenic for Hereditary cancer-predisposing syndrome. Last evaluated: 2024-08-08. Review status: criteria provided, single submitter. Criteria: ACMG Guidelines, 2015. Collection method: clinical testing. Allele origin: germline.
Comment: This missense variant replaces aspartic acid with glycine at codon 1818 of the BRCA1 protein. RNA studies have shown that this variant resulted in the skipping of exon 22 in carrier RNA, which is predicted to disrupt the functionally important BRCT domain (PMID: 20875879, 32123317). A functional study has shown that this variant caused loss-of-function in a haploid cell proliferation assay (PMID: 30209399). This variant has been reported in at least four individuals affected with high-risk breast cancer (PMID: 20875879; Color internal data). Multifactorial analyses have reported likelihood ratios for pathogenicity based on tumor pathology, co-occurrence with a pathogenic variant, and personal and family history, reaching a combined LR greater than 3:1 (PMID: 31131967, 31853058; Color internal data). This variant has not been identified in the general population by the Genome Aggregation Database (gnomAD). Based on the available evidence, this variant is classified as Pathogenic.

German Consortium for Hereditary Breast and Ovarian Cancer, University Hospital Cologne
Classification: Likely pathogenic for Hereditary breast ovarian cancer syndrome. Last evaluated: 2023-12-19. Review status: criteria provided, single submitter. Criteria: ClinGen BRCA1 V1.0.0. Collection method: curation. Allele origin: germline.
Comment: conflicting functional and genetic data. According to the ClinGen ENIGMA BRCA1 v1.0.0 criteria we chose these criteria: PVS1 (medium pathogenic): RNA studies have demonstrated abnormal splicing in the set of samples tested and result in allele-specific skipping of coding exon 22 which is predicted to result in a frameshift with loss of a critical portion of the BRCT domain of BRCA1 (Ambry internal data; Rouleau E et al. Cancer Genet Cytogenet. 2010 Oct; 202(2):144-6; Houdayer C et al. Hum Mutat. 2012 Aug;33(8):1228-38)., PS3 (strong pathogenic): Findlay et al. LOF Table9_BRCA12VCEP_specs, PM2 (supporting pathogenic): absent from controls, BP5 (supporting benign): LR: 0.34 (Parsons et al, 2019)

Sema4
Classification: Likely pathogenic for Hereditary cancer-predisposing syndrome. Last evaluated: 2022-03-06. Review status: criteria provided, single submitter. Criteria: Sema4 Curation Guidelines. Collection method: curation. Allele origin: germline.
Comment: The BRCA1 c.5453A>G (p.D1818G) variant has been reported in heterozygosity in at least three individuals with hereditary breast and/or ovarian cancer (PMID: 20875879). Functional studies have shown conflicting data to determine the effect on BRCA1 protein function (PMID: 20516115, 30209399). However, transcriptional studies of mRNA isolated from lymphocytes have shown that this variant results in aberrant splicing including the complete skipping of exon 22 and a truncated protein product (p.Gly1803GlnfsX11) (PMID: 20875879, 22505045). This variant is not reported in the Genome Aggregation Database (PMID: 32461654). The variant has been reported in ClinVar (Variation ID: 37672). Based on the current evidence available, this variant is interpreted as likely pathogenic.

NM_007294.4(BRCA1):c.5453A>G (p.Asp1818Gly)

Gene: BRCA1 (BRCA1 DNA repair associated; minus strand). Cytogenetic location: 17q21.31.
Variant type: single nucleotide variant.
Coding change: c.5453A>G on transcript NM_007294.4 (MANE Select); coding-DNA position 5453, A replaced by G.
Protein change: p.Asp1818Gly; replaces aspartic acid 1818 with glycine.
Molecular consequence: missense variant. On other transcripts: synonymous variant (17).
Genome position (GRCh38, 1-based): chr17:43,047,657, T>C on the plus strand (A>G on the coding strand, the complement: BRCA1 is on the minus strand). VCF-style: chr17-43047657-T-C. GRCh37 (hg19) VCF-style: chr17-41199674-T-C.
Other names: 5572A>G; c.5240A>G, p.Asp1747Gly (NM_001407571.1, NM_001407894.1, NM_001407895.1 and 12 more transcripts); c.5519A>G, p.Asp1840Gly (NM_001407581.1, NM_001407582.1); c.5516A>G, p.Asp1839Gly (NM_001407583.1, NM_001407585.1, NM_001407587.1 and 1 more transcripts); c.5513A>G, p.Asp1838Gly (NM_001407590.1, NM_001407591.1); c.5453A>G, p.Asp1818Gly (NM_001407593.1, NM_001407594.1, NM_001407596.1 and 5 more transcripts); c.5450A>G, p.Asp1817Gly (NM_001407610.1, NM_001407611.1, NM_001407612.1 and 14 more transcripts); c.5447A>G, p.Asp1816Gly (NM_001407627.1, NM_001407628.1, NM_001407629.1 and 13 more transcripts); and 84 more; short protein forms D1818G, D1839G, D714G, D1771G, D1664G, D1706G, D1746G, D1770G.
Identifiers: ClinVar variation 37672 (VCV000037672.28), dbSNP rs80357477, ClinGen allele CA003605.